The following is an entry in ClinVar:

ClinVar aggregate classification (germline): Uncertain significance (1 of 4 stars; one submission).

Conditions:
Galactosylceramide beta-galactosidase deficiency. Also called: GALACTOCEREBROSIDASE DEFICIENCY; GALC DEFICIENCY; GLOBOID CELL LEUKOENCEPHALOPATHY; Leukodystrophy, Globoid Cell; Krabbe Disease. Identifiers: Orphanet 487, MedGen C0023521, MONDO:0009499, OMIM 245200.

Allele frequency attached by ClinVar (database versions not stated): ExAC 0.00001; TOPMed 0.00001; gnomAD exomes 0.00002.
gnomAD v4.1: 12 of 1,612,964 alleles (0.00074%); highest among the groups gnomAD compares: Admixed American, 0.02%; no homozygotes.

Submission:

Labcorp Genetics (formerly Invitae), Labcorp
Classification: Uncertain significance for Galactosylceramide beta-galactosidase deficiency. Last evaluated: 2024-11-04. Review status: criteria provided, single submitter. Criteria: Invitae Variant Classification Sherloc (09022015). Collection method: clinical testing. Allele origin: germline.
Comment: This sequence change replaces phenylalanine, which is neutral and non-polar, with cysteine, which is neutral and slightly polar, at codon 350 of the GALC protein (p.Phe350Cys). This variant is present in population databases (rs772224854, gnomAD 0.03%). This variant has not been reported in the literature in individuals affected with GALC-related conditions. ClinVar contains an entry for this variant (Variation ID: 2182367). Invitae Evidence Modeling of protein sequence and biophysical properties (such as structural, functional, and spatial information, amino acid conservation, physicochemical variation, residue mobility, and thermodynamic stability) indicates that this missense variant is expected to disrupt GALC protein function with a positive predictive value of 95%. In summary, the available evidence is currently insufficient to determine the role of this variant in disease. Therefore, it has been classified as a Variant of Uncertain Significance.

NM_000153.4(GALC):c.1049T>G (p.Phe350Cys)

Gene: GALC (galactosylceramidase; minus strand). Cytogenetic location: 14q31.3.
Variant type: single nucleotide variant.
Coding change: c.1049T>G on transcript NM_000153.4 (MANE Select); coding-DNA position 1049, T replaced by G.
Protein change: p.Phe350Cys; replaces phenylalanine 350 with cysteine.
Molecular consequence: missense variant.
Genome position (GRCh38, 1-based): chr14:87,963,496, A>C on the plus strand (T>G on the coding strand, the complement: GALC is on the minus strand). VCF-style: chr14-87963496-A-C. GRCh37 (hg19) VCF-style: chr14-88429840-A-C.
Other names: c.980T>G, p.Phe327Cys (NM_001201401.2); c.971T>G, p.Phe324Cys (NM_001201402.2); short protein forms F324C, F327C, F350C.
Identifiers: ClinVar variation 2182367 (VCV002182367.3), dbSNP rs772224854, ClinGen allele CA7297162.